The following is an entry in ClinVar:

ClinVar aggregate classification (germline): Pathogenic (1 of 4 stars; one submission).

Conditions:
Inborn genetic diseases. Identifiers: MedGen C0950123, MeSH D030342.

Submission:

Ambry Genetics
Classification: Pathogenic for Inborn genetic diseases. Last evaluated: 2022-08-01. Review status: criteria provided, single submitter. Criteria: Ambry Variant Classification Scheme 2023. Collection method: clinical testing. Allele origin: germline.
Comment: The c.1039delA (p.I347Lfs*4) alteration, located in exon 8 (coding exon 8) of the MASP1 gene, consists of a deletion of one nucleotide at position 1039, causing a translational frameshift with a predicted alternate stop codon after 4 amino acids. This alteration is expected to result in loss of function by premature protein truncation or nonsense-mediated mRNA decay. This variant was not reported in population-based cohorts in the Genome Aggregation Database (gnomAD). Based on the available evidence, this alteration is classified as pathogenic.

NM_139125.4(MASP1):c.1039del (p.Ile347fs)

Gene: MASP1 (MBL associated serine protease 1; minus strand). Cytogenetic location: 3q27.3.
Variant type: Deletion.
Coding change: c.1039del on transcript NM_139125.4 (MANE Select); coding-DNA position 1039, one base deleted (A; older notation c.1039delA).
Protein change: p.Ile347fs; shifts the reading frame from isoleucine 347.
Molecular consequence: frameshift variant. On other transcripts: non-coding transcript variant (1).
Genome position (GRCh38, 1-based): chr3:187,250,302, T deleted on the plus strand (A on the coding strand, the reverse complement: MASP1 is on the minus strand). VCF-style (leftmost placement, unchanged base first): chr3-187250301-AT-A. GRCh37 (hg19) VCF-style: chr3-186968089-AT-A.
Other names: c.1039del, p.Ile347fs (NM_001031849.3, NM_001879.6); short protein forms I347fs.
Identifiers: ClinVar variation 2299768 (VCV002299768.2), dbSNP rs2474143770, ClinGen allele CA2580070507.